The following is an entry in ClinVar:

NM_001100.4(ACTA1):c.39C>A (p.Asp13Glu)

Gene: ACTA1 (actin alpha 1, skeletal muscle; minus strand). Cytogenetic location: 1q42.13.
Variant type: single nucleotide variant.
Coding change: c.39C>A on transcript NM_001100.4 (MANE Select); coding-DNA position 39, C replaced by A.
Protein change: p.Asp13Glu; replaces aspartic acid 13 with glutamic acid.
Molecular consequence: missense variant.
Genome position (GRCh38, 1-based): chr1:229,433,077, G>T on the plus strand (C>A on the coding strand, the complement: ACTA1 is on the minus strand). VCF-style: chr1-229433077-G-T. GRCh37 (hg19) VCF-style: chr1-229568824-G-T.
Other names: NM_001100.4(ACTA1):c.39C>A; p.Asp13Glu; short protein forms D13E.
Identifiers: ClinVar variation 951155 (VCV000951155.14), dbSNP rs1659986880, ClinGen allele CA345151708.

ClinVar aggregate classification (germline): Likely pathogenic. Review status: reviewed by expert panel (3 of 4 stars). 3 submissions from 3 submitters: Likely pathogenic (1). 2 of the submissions do not count toward it. Last evaluated 2025-03-10.

Conditions:
Actin accumulation myopathy (CMYO2A). Also called: Nemaline myopathy type 3; Myopathy, actin, congenital, with excess of thin myofilaments; Myopathy, actin, congenital, with cores; Nemaline myopathy 3, with intranuclear rods; CONGENITAL MYOPATHY 2A, TYPICAL, AUTOSOMAL DOMINANT. Identifiers: Orphanet 98904, MedGen C3711389, MONDO:0008070, OMIM 161800.
Alpha-actinopathy. Also called: Actinopathy. Identifiers: MedGen CN295279, MONDO:0100084.

Submissions (3):

ClinGen Congenital Myopathies Variant Curation Expert Panel, ClinGen
Classification: Likely pathogenic for Alpha-actinopathy. Last evaluated: 2025-03-10. Review status: reviewed by expert panel. Criteria: ClinGen CongenMyopathy ACMG Specifications ACTA1_AD_ V2.0.0. Collection method: curation. Allele origin: germline. Inheritance: Autosomal dominant inheritance.
Comment: The NM_001100.4(ACTA1):c.39C>A variant in ACTA1 is a missense variant predicted to cause a substitution of aspartate by glutamate at amino acid 13 (p.Asp13Glu). This variant is absent from gnomAD v4.1.1 (PM2_Supporting). ACTA1, in which the variant was identified, is defined by the ClinGen Congenital Myopathies VCEP as a gene that has a low rate of benign missense variation and where pathogenic missense variants are a common mechanism of dominant disease (PP2). The computational predictor REVEL gives a score of 0.903, which is above the threshold of 0.7, so evidence does correlate with impact on ACTA1 function (PP3). This variant has been observed in the heterozygous state in two individuals with progressive cardiomyopathy (requiring transplantation in one) and milder muscle weakness, one of which was confirmed de novo (PS2, PS4_Supporting; Labcorp Genetics SCV001395135.7, GeneDx SCV001823123.1). Additionally, the variant segregated with disease in two individuals from one family (PP1_Moderate). In summary, this variant meets the criteria to be classified as likely pathogenic for autosomal dominant alpha-actinopathy based on the ACMG/AMP criteria applied, as specified by the ClinGen Congenital Myopathies VCEP: PS2, PP1_Moderate, PS4_Supporting, PM2_Supporting, PP2, PP3 (ClinGen Congenital Myopathies VCEP specifications version 2.0).

Labcorp Genetics (formerly Invitae), Labcorp
Classification: Pathogenic for Actin accumulation myopathy. Last evaluated: 2022-08-09. Review status: criteria provided, single submitter. Criteria: Invitae Variant Classification Sherloc (09022015). Collection method: clinical testing. Allele origin: germline. Not counted in ClinVar's aggregate classification.
Comment: This sequence change replaces aspartic acid, which is acidic and polar, with glutamic acid, which is acidic and polar, at codon 13 of the ACTA1 protein (p.Asp13Glu). For these reasons, this variant has been classified as Pathogenic. Advanced modeling of protein sequence and biophysical properties (such as structural, functional, and spatial information, amino acid conservation, physicochemical variation, residue mobility, and thermodynamic stability) performed at Invitae indicates that this missense variant is expected to disrupt ACTA1 protein function. ClinVar contains an entry for this variant (Variation ID: 951155). This missense change has been observed in individual(s) with clinical features of ACTA1-related conditions (Invitae). In at least one individual the variant was observed to be de novo. This variant is not present in population databases (gnomAD no frequency).

GeneDx
Classification: Uncertain significance. Last evaluated: 2019-08-29. Review status: criteria provided, single submitter. Criteria: GeneDx Variant Classification Process June 2021. Collection method: clinical testing. Allele origin: germline. Affected: yes. Not counted in ClinVar's aggregate classification.
Comment: Not observed in large population cohorts (Lek et al., 2016); The majority of missense variants in this gene are considered pathogenic (Stenson et al., 2014); In silico analysis, which includes protein predictors and evolutionary conservation, supports that this variant does not alter protein structure/function; Has not been previously published as pathogenic or benign to our knowledge